The following is an entry in ClinVar:

NM_015697.9(COQ2):c.61G>A (p.Gly21Ser)

Genes: COQ2 (coenzyme Q2, polyprenyltransferase; minus strand), LOC112997540 (Sharpr-MPRA regulatory region 13773; plus strand). Cytogenetic location: 4q21.23.
Variant type: single nucleotide variant.
Coding change: c.61G>A on transcript NM_015697.9; coding-DNA position 61, G replaced by A.
Protein change: p.Gly21Ser; replaces glycine 21 with serine.
Molecular consequence: missense variant.
Genome position (GRCh38, 1-based): chr4:83,284,854, C>T on the plus strand (G>A on the coding strand, the complement: COQ2 is on the minus strand). VCF-style: chr4-83284854-C-T. GRCh37 (hg19) VCF-style: chr4-84206007-C-T.
Other names: short protein forms G21S.
Identifiers: ClinVar variation 1366236 (VCV001366236.7), dbSNP rs766552045, ClinGen allele CA2988720.

ClinVar aggregate classification (germline): Uncertain significance. Review status: criteria provided, multiple submitters, no conflicts (2 of 4 stars). 2 submissions from 2 submitters: Uncertain significance (2). Last evaluated 2022-12-20.

Conditions:
COQ2-related disorder. Also called: COQ2-related condition.

Allele frequency attached by ClinVar (database versions not stated): gnomAD 0.00002 and 0.00004; ExAC 0.00009; gnomAD exomes 0.00005 and 0.00007; TOPMed 0.00006.
gnomAD v4.1: 108 of 1,543,862 alleles (0.007%); highest among the groups gnomAD compares: East Asian, 0.22%; 1 homozygote.

Submissions (2):

PreventionGenetics, part of Exact Sciences
Classification: Uncertain significance for COQ2-related condition. Last evaluated: 2022-12-20. Review status: criteria provided, single submitter. Criteria: ACMG Guidelines, 2015. Collection method: clinical testing. Allele origin: germline.
Comment: The COQ2 c.61G>A variant is predicted to result in the amino acid substitution p.Gly21Ser. This variant was reported in the heterozygous state an individual with multiple system atrophy, however it was also reported along with another variant in COQ2 in an individual from the control populatoin (Table 1, Sun et al. 2016. PubMed ID: 27123473). This variant was also reported as a possible risk variant for familial Parkinson's disease (Mikasa et al. 2018. PubMed ID: 29644397). This variant is reported in 0.073% of alleles in individuals of East Asian descent in gnomAD. At this time, the clinical significance of this variant is uncertain due to the absence of conclusive functional and genetic evidence.

Labcorp Genetics (formerly Invitae), Labcorp
Classification: Uncertain significance. Last evaluated: 2022-01-28. Review status: criteria provided, single submitter. Criteria: Invitae Variant Classification Sherloc (09022015). Collection method: clinical testing. Allele origin: germline.
Comment: This sequence change replaces glycine, which is neutral and non-polar, with serine, which is neutral and polar, at codon 21 of the COQ2 protein (p.Gly21Ser). The frequency data for this variant in the population databases is considered unreliable, as metrics indicate poor data quality at this position in the gnomAD database. This variant has not been reported in the literature in individuals affected with COQ2-related conditions. Algorithms developed to predict the effect of missense changes on protein structure and function are either unavailable or do not agree on the potential impact of this missense change (SIFT: "Deleterious"; PolyPhen-2: "Benign"; Align-GVGD: "Class C0"). In summary, the available evidence is currently insufficient to determine the role of this variant in disease. Therefore, it has been classified as a Variant of Uncertain Significance.